The following is an entry in ClinVar:

ClinVar aggregate classification (germline): Conflicting classifications of pathogenicity. Review status: criteria provided, conflicting classifications (1 of 4 stars). 7 submissions from 6 submitters: Uncertain significance (1); Benign (2); Likely benign (3). 1 of the submissions does not count toward it. Last evaluated 2025-12-30.

Conditions:
Hereditary cancer-predisposing syndrome. Also called: Neoplastic Syndromes, Hereditary; Hereditary Cancer Syndrome; Tumor predisposition; Hereditary neoplastic syndrome. Identifiers: Orphanet 140162, MedGen C0027672, MeSH D009386, MONDO:0015356.
Cardiovascular phenotype. Identifiers: MedGen CN230736.
Neurofibromatosis, type 1 (NF1). Also called: Peripheral type neurofibromatosis; Neurofibromatosis, type I; VON RECKLINGHAUSEN DISEASE; NEUROFIBROMATOSIS, TYPE I, SOMATIC. Identifiers: Orphanet 636, MedGen C0027831, MONDO:0018975, OMIM 162200. Disease mechanism: loss of function.
NF1-related disorder. Also called: NF1-related condition. Identifiers: MedGen CN379171.

Allele frequency attached by ClinVar (database versions not stated): TOPMed 0.00002; gnomAD exomes 0.00032 and 0.00040; ExAC 0.00033; gnomAD 0.00048 and 0.00053.
gnomAD v4.1: 267 of 1,613,328 alleles (0.017%); highest among the groups gnomAD compares: Admixed American, 0.0017%; 3 homozygotes.

Submissions (7):

Labcorp Genetics (formerly Invitae), Labcorp
Classification: Benign for Neurofibromatosis, type 1. Last evaluated: 2025-12-30. Review status: criteria provided, single submitter. Criteria: Invitae Variant Classification Sherloc (09022015). Collection method: clinical testing. Allele origin: germline.

Blueprint Genetics
Classification: Likely benign. Last evaluated: 2024-09-19. Review status: criteria provided, single submitter. Criteria: ACMG Guidelines, 2015. Collection method: clinical testing. Allele origin: germline.

Women's Health and Genetics/Laboratory Corporation of America, LabCorp
Classification: Benign. Last evaluated: 2022-12-12. Review status: criteria provided, single submitter. Criteria: LabCorp Variant Classification Summary - May 2015. Collection method: clinical testing. Allele origin: germline.
Comment: Variant summary: NF1 c.6316A>G (p.Ile2106Val) results in a conservative amino acid change in the encoded protein sequence. Four of five in-silico tools predict a benign effect of the variant on protein function. The variant allele was found at a frequency of 0.0004 in 250904 control chromosomes in the gnomAD database, including 1 homozygotes. The observed variant frequency is approximately 2 fold of the estimated maximal expected allele frequency for a pathogenic variant in NF1 causing Neurofibromatosis Type 1 phenotype (0.00021), strongly suggesting that the variant is benign. To our knowledge, no occurrence of c.6316A>G in individuals affected with Neurofibromatosis Type 1 and no experimental evidence demonstrating its impact on protein function have been reported. Co-occurrence with a pathogenic variant has been reported (NF1 c.1062+3A>G), providing supporting evidence for a benign role. Four clinical diagnostic laboratories have submitted clinical-significance assessments for this variant to ClinVar after 2014 without evidence for independent evaluation (Benign/likely benign n=3, VUS n=1). Based on the evidence outlined above, the variant was classified as benign.

Ambry Genetics
Classification: Likely benign for Cardiovascular phenotype; Hereditary cancer-predisposing syndrome. Last evaluated: 2021-10-22. Review status: criteria provided, single submitter. Criteria: Ambry Variant Classification Scheme 2023. Collection method: clinical testing. Allele origin: germline.

GeneDx
Classification: Likely benign. Last evaluated: 2021-01-27. Review status: criteria provided, single submitter. Criteria: GeneDx Variant Classification Process June 2021. Collection method: clinical testing. Allele origin: germline. Affected: yes.
Comment: Has not been previously published as pathogenic or benign to our knowledge

Ambry Genetics
Classification: Uncertain significance for Hereditary cancer-predisposing syndrome. Last evaluated: 2015-11-29. Review status: criteria provided, single submitter. Criteria: Ambry Autosomal Dominant and X-Linked criteria (10/2015). Collection method: clinical testing. Allele origin: germline. Observed: 1 variant allele.
Comment: The p.I2127V variant (also known as c.6379A>G), located in coding exon 42 of the NF1 gene, results from an A to G substitution at nucleotide position 6379. The isoleucine at codon 2127 is replaced by valine, an amino acid with highly similar properties. This variant was previously reported in the SNPDatabase as rs200022550, but was absent from population-based cohorts in the NHLBI Exome Sequencing Project (ESP) and 1000 Genomes Project databases. To date, this alteration has been detected with an allele frequency of approximately 0.002% (greater than 110000 alleles tested) in our clinical cohort. This amino acid position is highly conserved in available vertebrate species. In addition, the in silico prediction for this alteration is inconclusive. Since supporting evidence is limited at this time, the clinical significance of p.I2127V remains unclear.

PreventionGenetics, part of Exact Sciences
Classification: Benign for NF1-related condition. Last evaluated: 2022-12-29. Review status: no assertion criteria provided. Collection method: clinical testing. Allele origin: germline. Not counted in ClinVar's aggregate classification.
Comment: This variant is classified as benign based on ACMG/AMP sequence variant interpretation guidelines (Richards et al. 2015 PMID: 25741868, with internal and published modifications).

NM_001042492.3(NF1):c.6379A>G (p.Ile2127Val)

Gene: NF1 (neurofibromin 1; plus strand). Cytogenetic location: 17q11.2.
Variant type: single nucleotide variant.
Coding change: c.6379A>G on transcript NM_001042492.3 (MANE Select); coding-DNA position 6379, A replaced by G.
Protein change: p.Ile2127Val; replaces isoleucine 2127 with valine.
Molecular consequence: missense variant.
Genome position (GRCh38, 1-based): chr17:31,336,866, A>G. VCF-style: chr17-31336866-A-G. GRCh37 (hg19) VCF-style: chr17-29663884-A-G.
Other names: c.6316A>G, p.Ile2106Val (NM_000267.4); short protein forms I2106V, I2127V.
Identifiers: ClinVar variation 230714 (VCV000230714.21), dbSNP rs200022550, ClinGen allele CA8487340.